The following is an entry in ClinVar:

NM_016955.4(SEPSECS):c.235dup (p.Val79fs)

Gene: SEPSECS (Sep (O-phosphoserine) tRNA:Sec (selenocysteine) tRNA synthase; minus strand). Cytogenetic location: 4p15.2.
Variant type: Duplication.
Coding change: c.235dup on transcript NM_016955.4 (MANE Select); coding-DNA position 235, one base duplicated (G; older notation c.235dupG).
Protein change: p.Val79fs; shifts the reading frame from valine 79.
Molecular consequence: frameshift variant.
Genome position (GRCh38, 1-based): chr4:25,158,987, C duplicated on the plus strand (G on the coding strand, the reverse complement: SEPSECS is on the minus strand). VCF-style (leftmost placement, unchanged base first): chr4-25158986-A-AC. GRCh37 (hg19) VCF-style: chr4-25160608-A-AC.
Other names: c.490dup, p.Val164fs (NM_001410714.1); c.235dup, p.Val79Glyfs (NM_153825.2); short protein forms V79fs, V164fs.
Identifiers: ClinVar variation 2696232 (VCV002696232.3), dbSNP rs2474687418, ClinGen allele CA2670197532.

ClinVar aggregate classification (germline): Pathogenic (1 of 4 stars; one submission).

Allele frequency attached by ClinVar (database versions not stated): gnomAD exomes below 0.00001.

Submission:

Labcorp Genetics (formerly Invitae), Labcorp
Classification: Pathogenic. Last evaluated: 2023-11-15. Review status: criteria provided, single submitter. Criteria: Invitae Variant Classification Sherloc (09022015). Collection method: clinical testing. Allele origin: germline.
Comment: This sequence change creates a premature translational stop signal (p.Val79Glyfs*22) in the SEPSECS gene. It is expected to result in an absent or disrupted protein product. Loss-of-function variants in SEPSECS are known to be pathogenic (PMID: 25558065, 25590979, 26115735). This variant is not present in population databases (gnomAD no frequency). This variant has not been reported in the literature in individuals affected with SEPSECS-related conditions. For these reasons, this variant has been classified as Pathogenic.

Literature cited by the submitters: PubMed 25558065; PubMed 25590979; PubMed 26115735.